The following is an entry in ClinVar:

NM_006096.4(NDRG1):c.1064A>C (p.His355Pro)

Gene: NDRG1 (N-myc downstream regulated 1; minus strand). Cytogenetic location: 8q24.22.
Variant type: single nucleotide variant.
Coding change: c.1064A>C on transcript NM_006096.4 (MANE Select); coding-DNA position 1064, A replaced by C.
Protein change: p.His355Pro; replaces histidine 355 with proline.
Molecular consequence: missense variant.
Genome position (GRCh38, 1-based): chr8:133,238,999, T>G on the plus strand (A>C on the coding strand, the complement: NDRG1 is on the minus strand). VCF-style: chr8-133238999-T-G. GRCh37 (hg19) VCF-style: chr8-134251242-T-G.
Other names: c.1064A>C, p.His355Pro (NM_001135242.2, NM_001374845.1, NM_001374846.1); c.866A>C, p.His289Pro (NM_001258432.2, NM_001374847.1); c.821A>C, p.His274Pro (NM_001258433.2); c.1115A>C, p.His372Pro (NM_001374844.1); short protein forms H274P, H289P, H355P, H372P.
Identifiers: ClinVar variation 2499080 (VCV002499080.28), dbSNP rs1855226391, ClinGen allele CA372254425.

ClinVar aggregate classification (germline): Uncertain significance (1 of 4 stars; one submission).

Submission:

CeGaT Center for Human Genetics Tuebingen
Classification: Uncertain significance. Last evaluated: 2023-03-01. Review status: criteria provided, single submitter. Criteria: CeGaT Center For Human Genetics Tuebingen Variant Classification Criteria Version 2. Collection method: clinical testing. Allele origin: germline. Affected: yes. Observed: 1 variant allele.
Comment: NDRG1: PM2, BP1